The following is an entry in ClinVar:

ClinVar aggregate classification (germline): Uncertain significance (1 of 4 stars; one submission).

Conditions:
Progressive myoclonic epilepsy. Also called: Familial progressive myoclonic epilepsy; Myoclonus epilepsy; Progressive myoclonus epilepsy; Myoclonic Epilepsies, Progressive. Identifiers: Orphanet 308, Orphanet 98261, MedGen C0751778, MONDO:0020074.

Submission:

Labcorp Genetics (formerly Invitae), Labcorp
Classification: Uncertain significance for Progressive myoclonic epilepsy. Last evaluated: 2018-06-15. Review status: criteria provided, single submitter. Criteria: Invitae Variant Classification Sherloc (09022015). Collection method: clinical testing. Allele origin: germline.
Comment: This variant results in a copy number gain of the genomic region encompassing the full coding sequence of the CSTB gene. The boundaries of this event are unknown as they extend beyond the assayed region for this gene and therefore may encompass additional genes. As the precise location of this event is unknown, it may be in tandem or it may be located elsewhere in the genome. This variant has not been reported in the literature in individuals with CSTB-related disease. In summary, the available evidence is currently insufficient to determine the role of this variant in disease. Therefore, it has been classified as a Variant of Uncertain Significance.

NC_000021.8:g.(?_45194063)_(45196170_?)dup

Genes: CSTB (cystatin B; minus strand), LOC130066788 (ATAC-STARR-seq lymphoblastoid silent region 13368; plus strand). Cytogenetic location: 21q22.3.
Variant type: Duplication.
Identifiers: ClinVar variation 584212 (VCV000584212.1).